The following is an entry in ClinVar:

NM_001458.5(FLNC):c.4947C>T (p.Gly1649=)

Gene: FLNC (filamin C; plus strand). Cytogenetic location: 7q32.1.
Variant type: single nucleotide variant.
Coding change: c.4947C>T on transcript NM_001458.5 (MANE Select); coding-DNA position 4947, C replaced by T.
Protein change: p.Gly1649=; no amino-acid change (glycine 1649 retained).
Molecular consequence: synonymous variant.
Genome position (GRCh38, 1-based): chr7:128,849,200, C>T. VCF-style: chr7-128849200-C-T. GRCh37 (hg19) VCF-style: chr7-128489254-C-T.
Other names: p.Gly1649=; c.4947C>T, p.Gly1649= (NM_001127487.2).
Identifiers: ClinVar variation 258144 (VCV000258144.61), dbSNP rs201069454, ClinGen allele CA4475507.
Genomic context (GRCh38, chr7:128,849,200, plus strand): 5'-CGTTGAGCACCGCCTGGCCTCACACTCTTCTCTCTTTCCAGTGTCCATTGGAGGCCATGG[C>T]CTGGGTGAGTGCCCTTTCTCTCCTCTTCTTGGTGTGGGCCAGGGTGGTTGGCGGTAGGGG-3'
Protein context (NP_001449.3, residues 1639-1659): CLVTVSIGGH[Gly1649=]LGACLGPRIQ

ClinVar aggregate classification (germline): Benign/Likely benign. Review status: criteria provided, multiple submitters, no conflicts (2 of 4 stars). 19 submissions from 19 submitters: Benign (8); Likely benign (6). 5 of the submissions do not count toward it. Last evaluated 2026-09-01.

Conditions:
Hypertrophic cardiomyopathy 26. Also called: Cardiomyopathy, familial hypertrophic, 26. Identifiers: Orphanet 75249, MedGen C4310749, MONDO:0014883, OMIM 617047.
Distal myopathy with posterior leg and anterior hand involvement. Also called: WILLIAMS DISTAL MYOPATHY. Identifiers: Orphanet 63273, MedGen C3279722, MONDO:0013550, OMIM 614065.
Myofibrillar myopathy 5. Also called: Filaminopathy (type); FILAMINOPATHY, AUTOSOMAL DOMINANT. Identifiers: Orphanet 171445, MedGen C1836050, MONDO:0012289, OMIM 609524.
Cardiovascular phenotype. Identifiers: MedGen CN230736.
Cardiomyopathy (CMYO). Also called: Cardiomyopathies. Identifiers: Orphanet 167848, MedGen C0878544, MONDO:0004994, HP:0001638. Inheritance: Various modes of inheritance.

Allele frequency attached by ClinVar (database versions not stated): 1000 Genomes Project 30x 0.00062; 1000 Genomes Project 0.00080; gnomAD exomes 0.00080 and 0.00129; ESP Exome Variant Server 0.00107; ExAC 0.00108; TOPMed 0.00114; gnomAD 0.00119 and 0.00127.
gnomAD v4.1: 1,456 of 1,613,924 alleles (0.09%); highest among the groups gnomAD compares: Middle Eastern, 2%; 11 homozygotes.

Submissions (19):

CeGaT Center for Human Genetics Tuebingen
Classification: Likely benign. Last evaluated: 2026-09-01. Review status: criteria provided, single submitter. Criteria: CeGaT Center For Human Genetics Tuebingen Variant Classification Criteria Version 2. Collection method: clinical testing. Allele origin: germline. Affected: yes. Observed: 53 variant alleles.
Comment: FLNC: BP4, BP7, BS1

Labcorp Genetics (formerly Invitae), Labcorp
Classification: Benign for Distal myopathy with posterior leg and anterior hand involvement; Myofibrillar myopathy 5; Hypertrophic cardiomyopathy 26. Last evaluated: 2026-02-02. Review status: criteria provided, single submitter. Criteria: Invitae Variant Classification Sherloc (09022015). Collection method: clinical testing. Allele origin: germline.

Mayo Clinic Laboratories, Mayo Clinic
Classification: Benign. Last evaluated: 2025-09-10. Review status: criteria provided, single submitter. Criteria: ACMG Guidelines, 2015. Collection method: clinical testing. Allele origin: germline. Observed: 2 variant alleles.
Comment: BS1, BS2

Molecular Diagnostic Laboratory for Inherited Cardiovascular Disease, Montreal Heart Institute
Classification: Benign. Last evaluated: 2025-04-09. Review status: criteria provided, single submitter. Criteria: ACMG Guidelines, 2015. Collection method: clinical testing. Allele origin: germline. Affected: no.

Blueprint Genetics
Classification: Likely benign. Last evaluated: 2024-11-27. Review status: criteria provided, single submitter. Criteria: ACMG Guidelines, 2015. Collection method: clinical testing. Allele origin: germline.

ARUP Laboratories, Molecular Genetics and Genomics, ARUP Laboratories
Classification: Benign. Last evaluated: 2024-07-10. Review status: criteria provided, single submitter. Criteria: ARUP Molecular Germline Variant Investigation Process 2024. Collection method: clinical testing. Allele origin: germline.

Women's Health and Genetics/Laboratory Corporation of America, LabCorp
Classification: Benign. Last evaluated: 2023-08-19. Review status: criteria provided, single submitter. Criteria: LabCorp Variant Classification Summary - May 2015. Collection method: clinical testing. Allele origin: germline.

CHEO Genetics Diagnostic Laboratory, Children's Hospital of Eastern Ontario
Classification: Benign for Cardiomyopathy. Last evaluated: 2022-11-30. Review status: criteria provided, single submitter. Criteria: ACMG Guidelines, 2015. Collection method: clinical testing. Allele origin: germline.

Fulgent Genetics
Classification: Likely benign for Myofibrillar myopathy 5; Distal myopathy with posterior leg and anterior hand involvement; Hypertrophic cardiomyopathy 26. Last evaluated: 2021-09-22. Review status: criteria provided, single submitter. Criteria: ACMG Guidelines, 2015. Collection method: clinical testing. Allele origin: unknown.

GeneDx
Classification: Benign. Last evaluated: 2019-12-10. Review status: criteria provided, single submitter. Criteria: GeneDx Variant Classification Process June 2021. Collection method: clinical testing. Allele origin: germline. Affected: yes.

Ambry Genetics
Classification: Likely benign for Cardiovascular phenotype. Last evaluated: 2018-12-04. Review status: criteria provided, single submitter. Criteria: Ambry Variant Classification Scheme 2023. Collection method: clinical testing. Allele origin: germline.

Eurofins Ntd Llc (ga)
Classification: Likely benign. Last evaluated: 2016-08-11. Review status: criteria provided, single submitter. Criteria: EGL Classification Definitions 2015. Collection method: clinical testing. Allele origin: germline. Observed: 1 variant allele, 1 heterozygote.

Breakthrough Genomics
Classification: Likely benign. Review status: criteria provided, single submitter. Criteria: ACMG Guidelines, 2015. Collection method: not provided. Allele origin: germline. Inheritance: Autosomal dominant inheritance. Affected: yes.

PreventionGenetics, part of Exact Sciences
Classification: Benign. Review status: criteria provided, single submitter. Criteria: ACMG Guidelines, 2015. Collection method: clinical testing. Allele origin: germline.

Clinical Genetics DNA and cytogenetics Diagnostics Lab, Erasmus MC, Erasmus Medical Center
Classification: Benign. Review status: no assertion criteria provided. Collection method: clinical testing. Allele origin: germline. Affected: yes. Study: VKGL Data-share Consensus. Not counted in ClinVar's aggregate classification.

Clinical Genetics, Academic Medical Center
Classification: Benign. Review status: no assertion criteria provided. Collection method: clinical testing. Allele origin: germline. Affected: yes. Study: VKGL Data-share Consensus. Not counted in ClinVar's aggregate classification.

Genome Diagnostics Laboratory, University Medical Center Utrecht
Classification: Benign. Review status: no assertion criteria provided. Collection method: clinical testing. Allele origin: germline. Affected: yes. Study: VKGL Data-share Consensus. Not counted in ClinVar's aggregate classification.

Joint Genome Diagnostic Labs from Nijmegen and Maastricht, Radboudumc and MUMC+
Classification: Benign. Review status: no assertion criteria provided. Collection method: clinical testing. Allele origin: germline. Affected: yes. Study: VKGL Data-share Consensus. Not counted in ClinVar's aggregate classification.

Laboratory of Diagnostic Genome Analysis, Leiden University Medical Center (LUMC)
Classification: Likely benign. Review status: no assertion criteria provided. Collection method: clinical testing. Allele origin: germline. Affected: yes. Study: VKGL Data-share Consensus. Not counted in ClinVar's aggregate classification.